The following is an entry in ClinVar:

NM_004667.6(HERC2):c.7576G>A (p.Glu2526Lys)

Gene: HERC2 (HECT and RLD domain containing E3 ubiquitin protein ligase 2; minus strand). Cytogenetic location: 15q13.1.
Variant type: single nucleotide variant.
Coding change: c.7576G>A on transcript NM_004667.6 (MANE Select); coding-DNA position 7576, G replaced by A.
Protein change: p.Glu2526Lys; replaces glutamic acid 2526 with lysine.
Molecular consequence: missense variant.
Genome position (GRCh38, 1-based): chr15:28,202,154, C>T on the plus strand (G>A on the coding strand, the complement: HERC2 is on the minus strand). VCF-style: chr15-28202154-C-T. GRCh37 (hg19) VCF-style: chr15-28447300-C-T.
Other names: short protein forms E2526K.
Identifiers: ClinVar variation 986052 (VCV000986052.7), dbSNP rs551973035, ClinGen allele CA7441751.

ClinVar aggregate classification (germline): Uncertain significance. Review status: criteria provided, multiple submitters, no conflicts (2 of 4 stars). 3 submissions from 3 submitters: Uncertain significance (3). Last evaluated 2026-07-01.

Conditions:
Inborn genetic diseases. Identifiers: MedGen C0950123, MeSH D030342.
Developmental delay with autism spectrum disorder and gait instability (MRT38). Also called: Intellectual developmental disorder, autosomal recessive 38. Identifiers: Orphanet 329195, MedGen C3809753, MONDO:0014224, OMIM 615516.

Allele frequency attached by ClinVar (database versions not stated): TOPMed 0.00001; gnomAD 0.00003; gnomAD exomes 0.00004; ExAC 0.00010; 1000 Genomes Project 30x 0.00016; 1000 Genomes Project 0.00020.
gnomAD v4.1: 17 of 1,578,814 alleles (0.0011%); highest among the groups gnomAD compares: Admixed American, 0.017%; no homozygotes.

Submissions (3):

CeGaT Center for Human Genetics Tuebingen
Classification: Uncertain significance. Last evaluated: 2026-07-01. Review status: criteria provided, single submitter. Criteria: CeGaT Center For Human Genetics Tuebingen Variant Classification Criteria Version 2. Collection method: clinical testing. Allele origin: germline. Affected: yes. Observed: 1 variant allele.
Comment: HERC2: PM2, BP4

Baylor Genetics
Classification: Uncertain significance for Developmental delay with autism spectrum disorder and gait instability. Last evaluated: 2024-02-06. Review status: criteria provided, single submitter. Criteria: ACMG Guidelines, 2015. Collection method: clinical testing. Allele origin: unknown.

Ambry Genetics
Classification: Uncertain significance for Inborn genetic diseases. Last evaluated: 2022-08-10. Review status: criteria provided, single submitter. Criteria: Ambry Variant Classification Scheme 2023. Collection method: clinical testing. Allele origin: germline.
Comment: The alteration results in an amino acid change:_x000D_ _x000D_ The c.7576G>A (p.E2526K) alteration is located in exon 47 (coding exon 46) of the HERC2 gene. This alteration results from a G to A substitution at nucleotide position 7576, causing the glutamic acid (E) at amino acid position 2526 to be replaced by a lysine (K). The alteration is rare in population databases:_x000D_ _x000D_ Based on data from the Genome Aggregation Database (gnomAD), the HERC2 c.7576G>A alteration was observed in 0.004% (8/212886) of total alleles studied. The altered amino acid is conserved throughout evolution:_x000D_ _x000D_ The p.E2526 amino acid is conserved in available vertebrate species. The alteration is predicted tolerated by in silico modeling:_x000D_ _x000D_ The p.E2526K alteration is predicted to be tolerated by in silico analysis. Based on insufficient or conflicting evidence, the clinical significance of this alteration remains unclear.